The following is an entry in ClinVar:

ClinVar aggregate classification (germline): Uncertain significance (1 of 4 stars; one submission).

Conditions:
Inborn genetic diseases. Identifiers: MedGen C0950123, MeSH D030342.

Submission:

Ambry Genetics
Classification: Uncertain significance for Inborn genetic diseases. Last evaluated: 2025-09-19. Review status: criteria provided, single submitter. Criteria: Ambry Variant Classification Scheme 2023. Collection method: clinical testing. Allele origin: germline.
Comment: The p.R339S variant (also known as c.1015C>A), located in coding exon 7 of the MECOM gene, results from a C to A substitution at nucleotide position 1015. The arginine at codon 339 is replaced by serine, an amino acid with dissimilar properties. This amino acid position is conserved. In addition, this alteration is predicted to be deleterious by in silico analysis. Based on the available evidence, the clinical significance of this variant remains unclear.

NM_004991.4(MECOM):c.1015C>A (p.Arg339Ser)

Gene: MECOM (MDS1 and EVI1 complex locus; minus strand). Cytogenetic location: 3q26.2.
Variant type: single nucleotide variant.
Coding change: c.1015C>A on transcript NM_004991.4 (MANE Select); coding-DNA position 1015, C replaced by A.
Protein change: p.Arg339Ser; replaces arginine 339 with serine.
Molecular consequence: missense variant.
Genome position (GRCh38, 1-based): chr3:169,121,173, G>T on the plus strand (C>A on the coding strand, the complement: MECOM is on the minus strand). VCF-style: chr3-169121173-G-T. GRCh37 (hg19) VCF-style: chr3-168838961-G-T.
Other names: c.451C>A, p.Arg151Ser (NM_001105078.4, NM_001164000.2, NM_001205194.2 and 5 more transcripts); c.454C>A, p.Arg152Ser (NM_001163999.2, NM_001366467.2, NM_001366468.2 and 1 more transcripts); c.1015C>A, p.Arg339Ser (NM_001366466.2, NM_001366473.2); c.646C>A, p.Arg216Ser (NM_001105077.4); short protein forms R216S, R151S, R152S, R339S.
Identifiers: ClinVar variation 4624590 (VCV004624590.1).